The following is an entry in ClinVar:

NM_020066.5(FMN2):c.2973A>C (p.Pro991=)

Gene: FMN2 (formin 2; plus strand). Cytogenetic location: 1q43.
Variant type: single nucleotide variant.
Coding change: c.2973A>C on transcript NM_020066.5 (MANE Select); coding-DNA position 2973, A replaced by C.
Protein change: p.Pro991=; no amino-acid change (proline 991 retained).
Molecular consequence: synonymous variant. On other transcripts: intron variant (1).
Genome position (GRCh38, 1-based): chr1:240,207,785, A>C. VCF-style: chr1-240207785-A-C. GRCh37 (hg19) VCF-style: chr1-240371085-A-C.
Other names: c.2985A>C, p.Pro995= (NM_001305424.2); c.1986+19523A>C (NM_001348094.2).
Identifiers: ClinVar variation 3904997 (VCV003904997.10).

ClinVar aggregate classification (germline): Likely benign (1 of 4 stars; one submission).

Submission:

CeGaT Center for Human Genetics Tuebingen
Classification: Likely benign. Last evaluated: 2025-06-01. Review status: criteria provided, single submitter. Criteria: CeGaT Center For Human Genetics Tuebingen Variant Classification Criteria Version 2. Collection method: clinical testing. Allele origin: germline. Affected: yes. Observed: 2 variant alleles.
Comment: FMN2: BP4, BP7